The following is an entry in ClinVar:

ClinVar aggregate classification (germline): Uncertain significance (1 of 4 stars; one submission).

Conditions:
Tuberous sclerosis 2 (TSC2). Identifiers: Orphanet 805, MedGen C1860707, MONDO:0013199, OMIM 613254.

Submission:

Labcorp Genetics (formerly Invitae), Labcorp
Classification: Uncertain significance for Tuberous sclerosis 2. Last evaluated: 2022-02-17. Review status: criteria provided, single submitter. Criteria: Invitae Variant Classification Sherloc (09022015). Collection method: clinical testing. Allele origin: germline.
Comment: In summary, the available evidence is currently insufficient to determine the role of this variant in disease. Therefore, it has been classified as a Variant of Uncertain Significance. Advanced modeling of protein sequence and biophysical properties (such as structural, functional, and spatial information, amino acid conservation, physicochemical variation, residue mobility, and thermodynamic stability) performed at Invitae indicates that this missense variant is expected to disrupt TSC2 protein function. ClinVar contains an entry for this variant (Variation ID: 406056). This variant has not been reported in the literature in individuals affected with TSC2-related conditions. This variant is not present in population databases (gnomAD no frequency). This sequence change replaces leucine, which is neutral and non-polar, with arginine, which is basic and polar, at codon 1061 of the TSC2 protein (p.Leu1061Arg).

NM_000548.5(TSC2):c.3182T>G (p.Leu1061Arg)

Gene: TSC2 (TSC complex subunit 2; plus strand). Cytogenetic location: 16p13.3.
Variant type: single nucleotide variant.
Coding change: c.3182T>G on transcript NM_000548.5 (MANE Select); coding-DNA position 3182, T replaced by G.
Protein change: p.Leu1061Arg; replaces leucine 1061 with arginine.
Molecular consequence: missense variant.
Genome position (GRCh38, 1-based): chr16:2,079,326, T>G. VCF-style: chr16-2079326-T-G. GRCh37 (hg19) VCF-style: chr16-2129327-T-G.
Other names: c.3050T>G, p.Leu1017Arg (NM_001077183.3, NM_001370404.1); c.3182T>G, p.Leu1061Arg (NM_001114382.3); c.2942T>G, p.Leu981Arg (NM_001318827.2); c.2906T>G, p.Leu969Arg (NM_001318829.2); c.2450T>G, p.Leu817Arg (NM_001318831.2); c.3083T>G, p.Leu1028Arg (NM_001318832.2); c.3053T>G, p.Leu1018Arg (NM_001363528.2, NM_001370405.1, NM_021055.3); short protein forms L1061R, L1028R, L817R, L969R, L981R, L1017R, L1018R.
Identifiers: ClinVar variation 406056 (VCV000406056.8), dbSNP rs397514919, ClinGen allele CA16614757.
Genomic context (GRCh38, chr16:2,079,326, plus strand): 5'-TGTCTTCTAGGTCTCCTGTGGGCGAGTTCCTCCTAGCGGGTGGCAGGACCAAAACCTGGC[T>G]GGTTGGGAACAAGCTTGTCACTGTGACGACAAGCGTGGGAACCGGGACCCGGTCGTTACT-3'
Protein context (NP_000539.2, residues 1051-1071): LLAGGRTKTW[Leu1061Arg]VGNKLVTVTT